The following is an entry in ClinVar:

NM_000095.3(COMP):c.1113C>G (p.Cys371Trp)

Gene: COMP (cartilage oligomeric matrix protein; minus strand). Cytogenetic location: 19p13.11.
Variant type: single nucleotide variant.
Coding change: c.1113C>G on transcript NM_000095.3 (MANE Select); coding-DNA position 1113, C replaced by G.
Protein change: p.Cys371Trp; replaces cysteine 371 with tryptophan.
Molecular consequence: missense variant.
Genome position (GRCh38, 1-based): chr19:18,787,513, G>C on the plus strand (C>G on the coding strand, the complement: COMP is on the minus strand). VCF-style: chr19-18787513-G-C. GRCh37 (hg19) VCF-style: chr19-18898322-G-C.
Other names: short protein forms C371W.
Identifiers: ClinVar variation 1476556 (VCV001476556.6), dbSNP rs2145902154, ClinGen allele CA404887831.

ClinVar aggregate classification (germline): Likely pathogenic (1 of 4 stars; one submission).

Submission:

Labcorp Genetics (formerly Invitae), Labcorp
Classification: Likely pathogenic. Last evaluated: 2021-11-05. Review status: criteria provided, single submitter. Criteria: Invitae Variant Classification Sherloc (09022015). Collection method: clinical testing. Allele origin: germline.
Comment: In summary, the currently available evidence indicates that the variant is pathogenic, but additional data are needed to prove that conclusively. Therefore, this variant has been classified as Likely Pathogenic. This variant disrupts the p.Cys371 amino acid residue in COMP. Other variant(s) that disrupt this residue have been determined to be pathogenic (PMID: 9184241, 12483304, 21965141; Invitae). This suggests that this residue is clinically significant, and that variants that disrupt this residue are likely to be disease-causing. Advanced modeling of protein sequence and biophysical properties (such as structural, functional, and spatial information, amino acid conservation, physicochemical variation, residue mobility, and thermodynamic stability) performed at Invitae indicates that this missense variant is expected to disrupt COMP protein function. This variant has not been reported in the literature in individuals affected with COMP-related conditions. This variant is not present in population databases (gnomAD no frequency). This sequence change replaces cysteine, which is neutral and slightly polar, with tryptophan, which is neutral and slightly polar, at codon 371 of the COMP protein (p.Cys371Trp).

Literature cited by the submitters: PubMed 9184241; PubMed 12483304; PubMed 21965141.